The following is an entry in ClinVar:

NC_000013.11:g.48303741C>T

Gene: RB1 (RB transcriptional corepressor 1; plus strand). Cytogenetic location: 13q14.2.
Variant type: single nucleotide variant.
Genome position: GRCh38 VCF-style: chr13-48303741-C-T. GRCh37 (hg19) VCF-style: chr13-48877877-C-T.
Identifiers: ClinVar variation 3013144 (VCV003013144.3), dbSNP rs2542091959, ClinGen allele CA2622977082.
Genomic context (GRCh38, chr13:48,303,741, plus strand): 5'-GGCCCGGGAGCCTCGCGGACGTGACGCCGCGGGCGGAAGTGACGTTTTCCCGCGGTTGGA[C>T]GCGGCGCTCAGTTGCCGGGCGGGGGAGGGCGCGTCCGGTTTTTCTCAGGGGACGTTGAAA-3'

ClinVar aggregate classification (germline): Uncertain significance (1 of 4 stars; one submission).

Conditions:
Retinoblastoma (RB1). Also called: RETINOBLASTOMA, SOMATIC. Identifiers: Orphanet 790, MedGen C0035335, MeSH D012175, MONDO:0008380, OMIM 180200, HP:0009919. Disease mechanism: loss of function. Inheritance: Both sporadic and heritable forms are tested..

Submission:

Labcorp Genetics (formerly Invitae), Labcorp
Classification: Uncertain significance for Retinoblastoma. Last evaluated: 2025-07-27. Review status: criteria provided, single submitter. Criteria: Invitae Variant Classification Sherloc (09022015). Collection method: clinical testing. Allele origin: germline.
Comment: This variant occurs in a non-coding region of the RB1 gene. It does not change the encoded amino acid sequence of the RB1 protein. This variant is not present in population databases (gnomAD no frequency). This variant has not been reported in the literature in individuals affected with RB1-related conditions. Experimental studies and prediction algorithms are not available or were not evaluated, and the functional significance of this variant is currently unknown. In summary, the available evidence is currently insufficient to determine the role of this variant in disease. Therefore, it has been classified as a Variant of Uncertain Significance.